The following is an entry in ClinVar:

ClinVar aggregate classification (germline): Likely benign. Review status: criteria provided, multiple submitters, no conflicts (2 of 4 stars). 2 submissions from 2 submitters: Likely benign (2). Last evaluated 2025-12-08.

Conditions:
Ehlers-Danlos syndrome, classic type, 1 (EDSCL1). Also called: Ehlers-Danlos Syndrome, Classic Type, COL5A1-Related; EDS I; Ehlers-Danlos syndrome, type 1; EHLERS-DANLOS SYNDROME, GRAVIS TYPE; EHLERS-DANLOS SYNDROME, SEVERE CLASSIC TYPE. Identifiers: MedGen C0268335, MONDO:0019567, OMIM 130000.

Allele frequency attached by ClinVar (database versions not stated): gnomAD exomes 0.00001; ExAC 0.00001; gnomAD 0.00001; TOPMed 0.00002.
gnomAD v4.1: 18 of 1,613,072 alleles (0.0011%); highest among the groups gnomAD compares: Non-Finnish European, 0.0015%; no homozygotes.

Submissions (2):

Labcorp Genetics (formerly Invitae), Labcorp
Classification: Likely benign for Ehlers-Danlos syndrome, classic type, 1. Last evaluated: 2025-12-08. Review status: criteria provided, single submitter. Criteria: Invitae Variant Classification Sherloc (09022015). Collection method: clinical testing. Allele origin: germline.

GeneDx
Classification: Likely benign. Last evaluated: 2017-03-15. Review status: criteria provided, single submitter. Criteria: GeneDx Variant Classification (06012015). Collection method: clinical testing. Allele origin: germline. Affected: yes.
Comment: This variant is considered likely benign or benign based on one or more of the following criteria: it is a conservative change, it occurs at a poorly conserved position in the protein, it is predicted to be benign by multiple in silico algorithms, and/or has population frequency not consistent with disease.

NM_000093.5(COL5A1):c.1936-10C>T

Gene: COL5A1 (collagen type V alpha 1 chain; plus strand). Cytogenetic location: 9q34.3.
Variant type: single nucleotide variant.
Coding change: c.1936-10C>T on transcript NM_000093.5 (MANE Select); 10 bases into the intron before coding-DNA position 1936, C replaced by T.
Molecular consequence: intron variant.
Genome position (GRCh38, 1-based): chr9:134,761,915, C>T. VCF-style: chr9-134761915-C-T. GRCh37 (hg19) VCF-style: chr9-137653761-C-T.
Other names: c.1936-10C>T (NM_001278074.1).
Identifiers: ClinVar variation 517797 (VCV000517797.10), dbSNP rs779506561, ClinGen allele CA5319065.